The following is an entry in ClinVar:

NM_033026.6(PCLO):c.10363C>T (p.Arg3455Trp)

Gene: PCLO (piccolo presynaptic cytomatrix protein; minus strand). Cytogenetic location: 7q21.11.
Variant type: single nucleotide variant.
Coding change: c.10363C>T on transcript NM_033026.6 (MANE Select); coding-DNA position 10363, C replaced by T.
Protein change: p.Arg3455Trp; replaces arginine 3455 with tryptophan.
Molecular consequence: missense variant.
Genome position (GRCh38, 1-based): chr7:82,950,225, G>A on the plus strand (C>T on the coding strand, the complement: PCLO is on the minus strand). VCF-style: chr7-82950225-G-A. GRCh37 (hg19) VCF-style: chr7-82579541-G-A.
Other names: c.10363C>T, p.Arg3455Trp (NM_014510.3); short protein forms R3455W.
Identifiers: ClinVar variation 1934904 (VCV001934904.4), dbSNP rs779274989, ClinGen allele CA4319747.

ClinVar aggregate classification (germline): Uncertain significance (1 of 4 stars; one submission).

Allele frequency attached by ClinVar (database versions not stated): ExAC 0.00001; gnomAD 0.00002; gnomAD exomes 0.00002; TOPMed 0.00002.
gnomAD v4.1: 26 of 1,612,344 alleles (0.0016%); highest among the groups gnomAD compares: African/African-American, 0.0081%; no homozygotes.

Submission:

Labcorp Genetics (formerly Invitae), Labcorp
Classification: Uncertain significance. Last evaluated: 2024-12-16. Review status: criteria provided, single submitter. Criteria: Invitae Variant Classification Sherloc (09022015). Collection method: clinical testing. Allele origin: germline.
Comment: This sequence change replaces arginine, which is basic and polar, with tryptophan, which is neutral and slightly polar, at codon 3455 of the PCLO protein (p.Arg3455Trp). This variant is present in population databases (rs779274989, gnomAD 0.007%). This variant has not been reported in the literature in individuals affected with PCLO-related conditions. ClinVar contains an entry for this variant (Variation ID: 1934904). Experimental studies and prediction algorithms are not available or were not evaluated, and the functional significance of this variant is currently unknown. In summary, the available evidence is currently insufficient to determine the role of this variant in disease. Therefore, it has been classified as a Variant of Uncertain Significance.